The following is an entry in ClinVar:

NM_016653.3(MAP3K20):c.803G>A (p.Ser268Asn)

Genes: MAP3K20 (mitogen-activated protein kinase kinase kinase 20; plus strand), MAP3K20-AS1 (MAP3K20 antisense RNA 1; minus strand). Cytogenetic location: 2q31.1.
Variant type: single nucleotide variant.
Coding change: c.803G>A on transcript NM_016653.3 (MANE Select); coding-DNA position 803, G replaced by A.
Protein change: p.Ser268Asn; replaces serine 268 with asparagine.
Molecular consequence: missense variant. On other transcripts: non-coding transcript variant (1).
Genome position (GRCh38, 1-based): chr2:173,209,787, G>A. VCF-style: chr2-173209787-G-A. GRCh37 (hg19) VCF-style: chr2-174074515-G-A.
Other names: c.803G>A, p.Ser268Asn (NM_133646.3); short protein forms S268N.
Identifiers: ClinVar variation 4749046 (VCV004749046.1).

ClinVar aggregate classification (germline): Uncertain significance (1 of 4 stars; one submission).

gnomAD v4.1: 44 of 1,613,932 alleles (0.0027%); highest among the groups gnomAD compares: Non-Finnish European, 0.0037%; no homozygotes.

Submission:

Labcorp Genetics (formerly Invitae), Labcorp
Classification: Uncertain significance. Last evaluated: 2025-12-03. Review status: criteria provided, single submitter. Criteria: Invitae Variant Classification Sherloc (09022015). Collection method: clinical testing. Allele origin: germline.
Comment: This sequence change replaces serine, which is neutral and polar, with asparagine, which is neutral and polar, at codon 268 of the MAP3K20 protein (p.Ser268Asn). This variant is present in population databases (rs141050328, gnomAD 0.002%). This variant has not been reported in the literature in individuals affected with MAP3K20-related conditions. Invitae Evidence Modeling of protein sequence and biophysical properties (such as structural, functional, and spatial information, amino acid conservation, physicochemical variation, residue mobility, and thermodynamic stability) indicates that this missense variant is not expected to disrupt MAP3K20 protein function with a negative predictive value of 95%. In summary, the available evidence is currently insufficient to determine the role of this variant in disease. Therefore, it has been classified as a Variant of Uncertain Significance.